The following is an entry in ClinVar:

ClinVar aggregate classification (germline): Benign. Review status: criteria provided, single submitter (1 of 4 stars). 2 submissions from 2 submitters: Benign (1). 1 of the submissions does not count toward it. Last evaluated 2025-01-06.

Conditions:
PSMC3IP-related disorder. Also called: PSMC3IP-related condition.

Allele frequency attached by ClinVar (database versions not stated): gnomAD exomes 0.00032 and 0.00054; ESP Exome Variant Server 0.00008; 1000 Genomes Project 30x 0.00016; gnomAD 0.00051 and 0.00048; TOPMed 0.00015; ExAC 0.00053; 1000 Genomes Project 0.00020.
gnomAD v4.1: 529 of 1,614,206 alleles (0.033%); highest among the groups gnomAD compares: Non-Finnish European, 0.023%; 1 homozygote.

Submissions (2):

Labcorp Genetics (formerly Invitae), Labcorp
Classification: Benign. Last evaluated: 2025-01-06. Review status: criteria provided, single submitter. Criteria: Invitae Variant Classification Sherloc (09022015). Collection method: clinical testing. Allele origin: germline.

PreventionGenetics, part of Exact Sciences
Classification: Likely benign for PSMC3IP-related condition. Last evaluated: 2024-08-13. Review status: no assertion criteria provided. Collection method: clinical testing. Allele origin: germline. Not counted in ClinVar's aggregate classification.
Comment: This variant is classified as likely benign based on ACMG/AMP sequence variant interpretation guidelines (Richards et al. 2015 PMID: 25741868, with internal and published modifications).

NM_016556.4(PSMC3IP):c.363G>A (p.Leu121=)

Gene: PSMC3IP (PSMC3 interacting protein; minus strand). Cytogenetic location: 17q21.2.
Variant type: single nucleotide variant.
Coding change: c.363G>A on transcript NM_016556.4 (MANE Select); coding-DNA position 363, G replaced by A.
Protein change: p.Leu121=; no amino-acid change (leucine 121 retained).
Molecular consequence: synonymous variant. On other transcripts: non-coding transcript variant (3), intron variant (1).
Genome position (GRCh38, 1-based): chr17:42,573,598, C>T on the plus strand (G>A on the coding strand, the complement: PSMC3IP is on the minus strand). VCF-style: chr17-42573598-C-T. GRCh37 (hg19) VCF-style: chr17-40725616-C-T.
Other names: c.174G>A, p.Leu58= (NM_001256014.2); c.126G>A, p.Leu42= (NM_001256015.2, NM_001256016.2); c.338-11G>A (NM_013290.7).
Identifiers: ClinVar variation 728134 (VCV000728134.11), dbSNP rs200088437, ClinGen allele CA8578980.